The following is an entry in ClinVar:

ClinVar aggregate classification (germline): Likely pathogenic (1 of 4 stars; one submission).

Submission:

Labcorp Genetics (formerly Invitae), Labcorp
Classification: Likely pathogenic. Last evaluated: 2022-10-17. Review status: criteria provided, single submitter. Criteria: Invitae Variant Classification Sherloc (09022015). Collection method: clinical testing. Allele origin: germline.
Comment: In summary, the currently available evidence indicates that the variant is pathogenic, but additional data are needed to prove that conclusively. Therefore, this variant has been classified as Likely Pathogenic. This variant has not been reported in the literature in individuals affected with CWC27-related conditions. This variant results in a copy number gain of the genomic region encompassing exon(s) 12-13 of the CWC27 gene. While the exact position of this variant cannot be determined from the data, sub-genic copy number gains are generally in tandem (PMID: 25640679). This variant is predicted to be out-of-frame, and may result in an absent or disrupted protein product. Loss-of-function variants in CWC27 are known to be pathogenic (PMID: 28285769).

Literature cited by the submitters: PubMed 25640679; PubMed 28285769.

NC_000005.9:g.(?_64267510)_(64273085_?)dup

Gene: CWC27 (CWC27 spliceosome associated cyclophilin; plus strand). Cytogenetic location: 5q12.3.
Variant type: Duplication.
Identifiers: ClinVar variation 2425429 (VCV002425429.4).